The following is an entry in ClinVar:

ClinVar aggregate classification (germline): Uncertain significance. Review status: criteria provided, multiple submitters, no conflicts (2 of 4 stars). 2 submissions from 2 submitters: Uncertain significance (2). Last evaluated 2025-06-04.

Conditions:
Bethlem myopathy 1A. Also called: Bethlem Muscular Dystrophy; MYOPATHY, BENIGN CONGENITAL, WITH CONTRACTURES; Bethlem myopathy 1. Identifiers: Orphanet 610, MedGen CN029274, MONDO:0024530, OMIM 158810.

Allele frequency attached by ClinVar (database versions not stated): gnomAD 0.00001; gnomAD exomes 0.00001 and 0.00002; ExAC 0.00002; TOPMed 0.00002; ESP Exome Variant Server 0.00008.
gnomAD v4.1: 27 of 1,614,026 alleles (0.0017%); highest among the groups gnomAD compares: Non-Finnish European, 0.0021%; no homozygotes.

Submissions (2):

Labcorp Genetics (formerly Invitae), Labcorp
Classification: Uncertain significance for Bethlem myopathy 1A. Last evaluated: 2025-06-04. Review status: criteria provided, single submitter. Criteria: Invitae Variant Classification Sherloc (09022015). Collection method: clinical testing. Allele origin: germline.
Comment: This sequence change replaces aspartic acid, which is acidic and polar, with glutamic acid, which is acidic and polar, at codon 1279 of the COL6A3 protein (p.Asp1279Glu). This variant is present in population databases (rs372089952, gnomAD 0.003%). This missense change has been observed in individual(s) with clinical features of COL6A3-related disorders (PMID: 30564623). ClinVar contains an entry for this variant (Variation ID: 290165). Invitae Evidence Modeling of protein sequence and biophysical properties (such as structural, functional, and spatial information, amino acid conservation, physicochemical variation, residue mobility, and thermodynamic stability) indicates that this missense variant is not expected to disrupt COL6A3 protein function with a negative predictive value of 80%. In summary, the available evidence is currently insufficient to determine the role of this variant in disease. Therefore, it has been classified as a Variant of Uncertain Significance.

Eurofins Ntd Llc (ga)
Classification: Uncertain significance. Last evaluated: 2016-08-09. Review status: criteria provided, single submitter. Criteria: EGL Classification Definitions 2015. Collection method: clinical testing. Allele origin: germline. Observed: 1 variant allele, 1 heterozygote.

Literature cited by the submitters: PubMed 30564623 (cited by Labcorp Genetics (formerly Invitae), Labcorp).

NM_004369.4(COL6A3):c.3837C>A (p.Asp1279Glu)

Gene: COL6A3 (collagen type VI alpha 3 chain; minus strand). Cytogenetic location: 2q37.3.
Variant type: single nucleotide variant.
Coding change: c.3837C>A on transcript NM_004369.4 (MANE Select); coding-DNA position 3837, C replaced by A.
Protein change: p.Asp1279Glu; replaces aspartic acid 1279 with glutamic acid.
Molecular consequence: missense variant.
Genome position (GRCh38, 1-based): chr2:237,372,180, G>T on the plus strand (C>A on the coding strand, the complement: COL6A3 is on the minus strand). VCF-style: chr2-237372180-G-T. GRCh37 (hg19) VCF-style: chr2-238280823-G-T.
Other names: c.2616C>A, p.Asp872Glu (NM_057164.5); c.3219C>A, p.Asp1073Glu (NM_057165.5, NM_057167.4); c.2016C>A, p.Asp672Glu (NM_057166.5); short protein forms D1279E, D672E, D1073E, D872E.
Identifiers: ClinVar variation 290165 (VCV000290165.12), dbSNP rs372089952, ClinGen allele CA2189063.